The following is an entry in ClinVar:

NM_000336.3(SCNN1B):c.279_282delinsCGCT (p.Pro93_Ala94=)

Gene: SCNN1B (sodium channel epithelial 1 subunit beta; plus strand). Cytogenetic location: 16p12.2.
Variant type: Indel.
Coding change: c.279_282delinsCGCT on transcript NM_000336.3 (MANE Select); coding-DNA positions 279 to 282, TGCC replaced by CGCT.
Protein change: p.Pro93_Ala94=.
Molecular consequence: synonymous variant.
Genome position (GRCh38, 1-based): chr16:23,348,878-23,348,881, TGCC replaced by CGCT. VCF-style: chr16-23348878-TGCC-CGCT. GRCh37 (hg19) VCF-style: chr16-23360199-TGCC-CGCT.
Other names: p.Pro93_Ala94=; c.279_282delinsCGCT, p.Pro93_Ala94= (NM_001410900.1).
Identifiers: ClinVar variation 4684082 (VCV004684082.1).
Genomic context (GRCh38, chr16:23,348,878, plus strand): 5'-CTACTTGAGCTGGGAGGTCAGCGTCTCCCTCTCCGTAGGCTTCAAGACCATGGACTTCCC[TGCC>CGCT]GTCACCATCTGCAATGCTAGCCCCTTCAAGTAGGTGGCCCCGGAGTGCACAGCTGGCCTC-3'

ClinVar aggregate classification (germline): Likely benign (1 of 4 stars; one submission).

Submission:

Mayo Clinic Laboratories, Mayo Clinic
Classification: Likely benign. Last evaluated: 2025-11-13. Review status: criteria provided, single submitter. Criteria: ACMG Guidelines, 2015. Collection method: clinical testing. Allele origin: germline. Observed: 1 variant allele.
Comment: BP4, BP7, PM2_supporting